The following is an entry in ClinVar:

ClinVar aggregate classification (germline): Benign. Review status: criteria provided, multiple submitters, no conflicts (2 of 4 stars). 3 submissions from 3 submitters: Benign (3). Last evaluated 2018-08-19.

Conditions:
Hypophosphatasia. Also called: Phosphoethanol-aminuria. Identifiers: Orphanet 436, MedGen C0020630, MeSH D007014, MONDO:0018570.

Allele frequency attached by ClinVar (database versions not stated): 1000 Genomes Project 0.16454; 1000 Genomes Project 30x 0.16505; TOPMed 0.18216; gnomAD exomes 0.18408; gnomAD 0.18683 and 0.18915.
gnomAD v4.1: 112,408 of 607,970 alleles (18%); highest among the groups gnomAD compares: South Asian, 21%; 11,301 homozygotes.

Submissions (3):

GeneDx
Classification: Benign. Last evaluated: 2018-08-19. Review status: criteria provided, single submitter. Criteria: GeneDx Variant Classification Process June 2021. Collection method: clinical testing. Allele origin: germline. Affected: yes.

Illumina Laboratory Services, Illumina
Classification: Benign for Hypophosphatasia. Last evaluated: 2018-01-13. Review status: criteria provided, single submitter. Criteria: ICSL Variant Classification Criteria 13 December 2019. Collection method: clinical testing. Allele origin: germline.
Comment: This variant was observed in the ICSL laboratory as part of a predisposition screen in an ostensibly healthy population. It had not been previously curated by ICSL or reported in the Human Gene Mutation Database (HGMD: prior to June 1st, 2018), and was therefore a candidate for classification through an automated scoring system. Utilizing variant allele frequency, disease prevalence and penetrance estimates, and inheritance mode, an automated score was calculated to assess if this variant is too frequent to cause the disease. Based on the score and internal cut-off values, a variant classified as benign is not then subjected to further curation. The score for this variant resulted in a classification of benign for this disease.

Breakthrough Genomics
Classification: Benign. Review status: criteria provided, single submitter. Criteria: ACMG Guidelines, 2015. Collection method: not provided. Allele origin: germline. Inheritance: Autosomal recessive inheritance. Affected: yes.

NM_000478.6(ALPL):c.*233A>C

Gene: ALPL (alkaline phosphatase, biomineralization associated; plus strand). Cytogenetic location: 1p36.12.
Variant type: single nucleotide variant.
Coding change: c.*233A>C on transcript NM_000478.6 (MANE Select); 233 bases downstream of the stop codon, A replaced by C.
Molecular consequence: 3 prime UTR variant.
Genome position (GRCh38, 1-based): chr1:21,577,881, A>C. VCF-style: chr1-21577881-A-C. GRCh37 (hg19) VCF-style: chr1-21904374-A-C.
Other names: c.*233A>C (NM_001127501.4, NM_001177520.3, NM_001369803.2 and 2 more transcripts).
Identifiers: ClinVar variation 295563 (VCV000295563.8), dbSNP rs1772719, ClinGen allele CA10609027.